The following is an entry in ClinVar:

ClinVar aggregate classification (germline): Uncertain significance (1 of 4 stars; one submission).

Conditions:
Cardiovascular phenotype. Identifiers: MedGen CN230736.

Allele frequency attached by ClinVar (database versions not stated): gnomAD exomes below 0.00001.
gnomAD v4.1: 1 of 1,211,562 alleles (0.000083%); highest among the groups gnomAD compares: Non-Finnish European, 0.00011%; no homozygotes.

Submission:

Ambry Genetics
Classification: Uncertain significance for Cardiovascular phenotype. Last evaluated: 2021-11-18. Review status: criteria provided, single submitter. Criteria: Ambry Variant Classification Scheme 2023. Collection method: clinical testing. Allele origin: germline.
Comment: The p.K79E variant (also known as c.235A>G), located in coding exon 4 of the DMD gene, results from an A to G substitution at nucleotide position 235. The lysine at codon 79 is replaced by glutamic acid, an amino acid with similar properties. This amino acid position is highly conserved in available vertebrate species. In addition, this alteration is predicted to be deleterious by in silico analysis. Since supporting evidence is limited at this time, the clinical significance of this alteration remains unclear.

NM_004006.3(DMD):c.235A>G (p.Lys79Glu)

Gene: DMD (dystrophin; minus strand). Cytogenetic location: Xp21.1.
Variant type: single nucleotide variant.
Coding change: c.235A>G on transcript NM_004006.3 (MANE Select); coding-DNA position 235, A replaced by G.
Protein change: p.Lys79Glu; replaces lysine 79 with glutamic acid.
Molecular consequence: missense variant. On other transcripts: 5 prime UTR variant (1).
Genome position (GRCh38, 1-based): chrX:32,844,812, T>C on the plus strand (A>G on the coding strand, the complement: DMD is on the minus strand). VCF-style: chrX-32844812-T-C. GRCh37 (hg19) VCF-style: chrX-32862929-T-C.
Other names: c.211A>G, p.Lys71Glu (NM_000109.4); c.223A>G, p.Lys75Glu (NM_004009.3); c.-135A>G (NM_004010.3); short protein forms K71E, K79E, K75E.
Identifiers: ClinVar variation 1790119 (VCV001790119.2), dbSNP rs2524853222, ClinGen allele CA412674691.